The following is an entry in ClinVar:

NM_000245.4(MET):c.70G>A (p.Gly24Arg)

Gene: MET (MET proto-oncogene, receptor tyrosine kinase; plus strand). Cytogenetic location: 7q31.2.
Variant type: single nucleotide variant.
Coding change: c.70G>A on transcript NM_000245.4 (MANE Select); coding-DNA position 70, G replaced by A.
Protein change: p.Gly24Arg; replaces glycine 24 with arginine.
Molecular consequence: missense variant. On other transcripts: intron variant (1).
Genome position (GRCh38, 1-based): chr7:116,699,154, G>A. VCF-style: chr7-116699154-G-A. GRCh37 (hg19) VCF-style: chr7-116339208-G-A.
Other names: c.70G>A, p.Gly24Arg (NM_001127500.3, NM_001324401.3); c.-91+26577G>A (NM_001324402.2); short protein forms G24R.
Identifiers: ClinVar variation 5024334 (VCV005024334.1).

ClinVar aggregate classification (germline): Uncertain significance (1 of 4 stars; one submission).

Conditions:
Hereditary cancer-predisposing syndrome. Also called: Neoplastic Syndromes, Hereditary; Tumor predisposition; Hereditary neoplastic syndrome; Hereditary Cancer Syndrome. Identifiers: Orphanet 140162, MedGen C0027672, MeSH D009386, MONDO:0015356.

Submission:

Ambry Genetics
Classification: Uncertain significance for Hereditary cancer-predisposing syndrome. Last evaluated: 2026-06-30. Review status: criteria provided, single submitter. Criteria: Ambry Variant Classification Scheme 2023. Collection method: clinical testing. Allele origin: germline.
Comment: The p.G24R variant (also known as c.70G>A), located in coding exon 1 of the MET gene, results from a G to A substitution at nucleotide position 70. The glycine at codon 24 is replaced by arginine, an amino acid with dissimilar properties. This amino acid position is well conserved in available vertebrate species. In addition, the in silico prediction for this alteration is inconclusive. Based on the available evidence, the clinical significance of this variant remains unclear.